The following is an entry in ClinVar:

ClinVar aggregate classification (germline): Uncertain significance. Review status: criteria provided, multiple submitters, no conflicts (2 of 4 stars). 2 submissions from 2 submitters: Uncertain significance (2). Last evaluated 2024-05-24.

Conditions:
Orofaciodigital syndrome type 6 (OFD6). Also called: OROFACIODIGITAL SYNDROME VI; OFDS VI; POLYDACTYLY, CLEFT LIP/PALATE OR LINGUAL LUMP, AND PSYCHOMOTOR RETARDATION; VARADI SYNDROME; VARADI-PAPP SYNDROME; Oral-facial-digital syndrome type 6. Identifiers: Orphanet 2754, MedGen C2745997, MONDO:0010176, OMIM 277170.
Joubert syndrome 17 (JBTS17). Identifiers: Orphanet 475, MedGen C3553264, MONDO:0013824, OMIM 614615.

Submissions (2):

Fulgent Genetics
Classification: Uncertain significance for Orofaciodigital syndrome type 6; Joubert syndrome 17. Last evaluated: 2024-05-24. Review status: criteria provided, single submitter. Criteria: ACMG Guidelines, 2015. Collection method: clinical testing. Allele origin: germline.

Labcorp Genetics (formerly Invitae), Labcorp
Classification: Uncertain significance. Last evaluated: 2023-02-16. Review status: criteria provided, single submitter. Criteria: Invitae Variant Classification Sherloc (09022015). Collection method: clinical testing. Allele origin: germline.
Comment: This sequence change replaces valine, which is neutral and non-polar, with phenylalanine, which is neutral and non-polar, at codon 2056 of the CPLANE1 protein (p.Val2056Phe). This variant is not present in population databases (gnomAD no frequency). This variant has not been reported in the literature in individuals affected with CPLANE1-related conditions. Advanced modeling of protein sequence and biophysical properties (such as structural, functional, and spatial information, amino acid conservation, physicochemical variation, residue mobility, and thermodynamic stability) performed at Invitae indicates that this missense variant is not expected to disrupt CPLANE1 protein function. In summary, the available evidence is currently insufficient to determine the role of this variant in disease. Therefore, it has been classified as a Variant of Uncertain Significance.

NM_001384732.1(CPLANE1):c.6166G>T (p.Val2056Phe)

Gene: CPLANE1 (ciliogenesis and planar polarity effector complex subunit 1; minus strand). Cytogenetic location: 5p13.2.
Variant type: single nucleotide variant.
Coding change: c.6166G>T on transcript NM_001384732.1 (MANE Select); coding-DNA position 6166, G replaced by T.
Protein change: p.Val2056Phe; replaces valine 2056 with phenylalanine.
Molecular consequence: missense variant.
Genome position (GRCh38, 1-based): chr5:37,173,760, C>A on the plus strand (G>T on the coding strand, the complement: CPLANE1 is on the minus strand). VCF-style: chr5-37173760-C-A. GRCh37 (hg19) VCF-style: chr5-37173862-C-A.
Other names: c.6166G>T, p.Val2056Phe (NM_023073.4); c.6166G>T (NM_023073.3); short protein forms V2056F.
Identifiers: ClinVar variation 2041640 (VCV002041640.5), dbSNP rs748142967, ClinGen allele CA359484653.